The following is an entry in ClinVar:

ClinVar aggregate classification (germline): Pathogenic (1 of 4 stars; one submission).

Conditions:
Alpha-N-acetylgalactosaminidase deficiency. Identifiers: Orphanet 3137, MedGen C5848084, MONDO:0017779.

Submission:

Myriad Genetics, Inc.
Classification: Pathogenic for Alpha-N-acetylgalactosaminidase deficiency. Last evaluated: 2026-05-01. Review status: criteria provided, single submitter. Criteria: Myriad Autosomal Dominant, Autosomal Recessive and X-Linked Classification Criteria (2023). Collection method: clinical testing. Allele origin: unknown.
Comment: NM_000262.2(NAGA):c.490G>T(E164*) is expected to be pathogenic in the context of NAGA-related disorders. This variant is predicted to lead to an abnormal or absent protein product due to the creation of a premature termination codon in NAGA, a gene where loss-of-function variants are known to be pathogenic. Please note: this variant was assessed in the context of healthy population screening.

NM_000262.3(NAGA):c.490G>T (p.Glu164Ter)

Genes: NAGA (alpha-N-acetylgalactosaminidase; minus strand), LOC126863160 (CDK7 strongly-dependent group 2 enhancer GRCh37_chr22:42462918-42464117; plus strand). Cytogenetic location: 22q13.2.
Variant type: single nucleotide variant.
Coding change: c.490G>T on transcript NM_000262.3 (MANE Select); coding-DNA position 490, G replaced by T.
Protein change: p.Glu164Ter; replaces glutamic acid 164 with a stop codon.
Molecular consequence: nonsense.
Genome position (GRCh38, 1-based): chr22:42,067,125, C>A on the plus strand (G>T on the coding strand, the complement: NAGA is on the minus strand). VCF-style: chr22-42067125-C-A. GRCh37 (hg19) VCF-style: chr22-42463129-C-A.
Other names: c.490G>T, p.Glu164Ter (NM_001362848.1, NM_001362850.1); short protein forms E164*.
Identifiers: ClinVar variation 5015850 (VCV005015850.1).